The following is an entry in ClinVar:

Conditions:
Breast-ovarian cancer, familial, susceptibility to, 1 (BROVCA1). Also called: BRCA1 Hereditary Breast and Ovarian Cancer; OVARIAN CANCER, SUSCEPTIBILITY TO. Identifiers: Orphanet 145, MedGen C2676676, MONDO:0011450, OMIM 604370. Disease mechanism: loss of function.

Submission:

Brotman Baty Institute, University of Washington
No classification provided (evidence only). Condition: Breast-ovarian cancer, familial 1. Review status: no classification provided. Collection method: in vitro. Allele origin: not applicable. Functional consequence: functionally_abnormal.
ClinVar note: "not provided" was previously submitted as the classification for the variant. However, the classification appeared to be based only on an observation of functional data so it was converted to no classification on 2025-07-30.

NM_007294.4(BRCA1):c.141C>G (p.Cys47Trp)

Gene: BRCA1 (BRCA1 DNA repair associated; minus strand). Cytogenetic location: 17q21.31.
Variant type: single nucleotide variant.
Coding change: c.141C>G on transcript NM_007294.4 (MANE Select); coding-DNA position 141, C replaced by G.
Protein change: p.Cys47Trp; replaces cysteine 47 with tryptophan.
Molecular consequence: missense variant. On other transcripts: 5 prime UTR variant (163), intron variant (34).
Genome position (GRCh38, 1-based): chr17:43,106,527, G>C on the plus strand (C>G on the coding strand, the complement: BRCA1 is on the minus strand). VCF-style: chr17-43106527-G-C. GRCh37 (hg19) VCF-style: chr17-41258544-G-C.
Other names: c.141C>G, p.Cys47Trp (NM_001408444.1, NM_001408445.1, NM_001408446.1 and 168 more transcripts); c.-1C>G (NM_001408452.1, NM_001408453.1, NM_001408454.1 and 99 more transcripts); c.-48C>G (NM_001408478.1, NM_001408479.1, NM_001408480.1 and 58 more transcripts); c.-218-11667C>G (NM_001407967.1, NM_001407966.1); c.-169-1571C>G (NM_001407959.1, NM_001407962.1, NM_001408512.1 and 4 more transcripts); c.81-1571C>G (NM_001408451.1); c.135-1571C>G (NM_001408475.1, NM_001407875.1, NM_001407659.1 and 21 more transcripts); short protein forms C47W.
Identifiers: ClinVar variation 865192 (VCV000865192.3), dbSNP rs398122635, ClinGen allele CA10601873.